The following is an entry in ClinVar:

NM_001127898.4(CLCN5):c.1558-2A>G

Gene: CLCN5 (chloride voltage-gated channel 5; plus strand). Cytogenetic location: Xp11.23.
Variant type: single nucleotide variant.
Coding change: c.1558-2A>G on transcript NM_001127898.4 (MANE Select); the canonical splice acceptor site of the intron before coding-DNA position 1558, A replaced by G.
Molecular consequence: splice acceptor variant.
Genome position (GRCh38, 1-based): chrX:50,088,696, A>G. VCF-style: chrX-50088696-A-G. GRCh37 (hg19) VCF-style: chrX-49853353-A-G.
Other names: c.1570-2A>G (NM_001440757.1, NM_001440756.1); c.1558-2A>G (NM_001127899.4); c.1348-2A>G (NM_000084.5); c.1408-2A>G (NM_001282163.2).
Identifiers: ClinVar variation 4525797 (VCV004525797.1).

ClinVar aggregate classification (germline): Likely pathogenic (1 of 4 stars; one submission).

Conditions:
Dent disease. Also called: Dent's disease. Identifiers: Orphanet 1652, MedGen C0878681, MONDO:0015612.

Submission:

Women's Health and Genetics/Laboratory Corporation of America, LabCorp
Classification: Likely pathogenic for Dent disease. Last evaluated: 2025-07-17. Review status: criteria provided, single submitter. Criteria: LabCorp Variant Classification Summary - May 2015. Collection method: clinical testing. Allele origin: germline.
Comment: Variant summary: CLCN5 c.1348-2A>G is located in a canonical splice-site and is predicted to affect mRNA splicing resulting in a significantly altered protein due to either exon skipping, shortening, or inclusion of intronic material. Variants that disrupt the consensus splice site are a relatively common cause of aberrant splicing and loss of CLCN5 function. Several computational tools predict a significant impact on normal splicing: Four predict the variant abolishes a canonical 3' acceptor site. However, these predictions have yet to be confirmed by functional studies. The variant was absent in 183132 control chromosomes. To our knowledge, no occurrence of c.1348-2A>G in individuals affected with Dent Disease and no experimental evidence demonstrating its impact on protein function have been reported. No submitters have cited clinical-significance assessments for this variant to ClinVar. Based on the evidence outlined above, the variant was classified as likely pathogenic.